The following is an entry in ClinVar:

ClinVar aggregate classification (germline): Uncertain significance (1 of 4 stars; one submission).

gnomAD v4.1: 2 of 1,595,068 alleles (0.00013%); highest among the groups gnomAD compares: Non-Finnish European, 0.00017%; no homozygotes.

Submission:

GeneDx
Classification: Uncertain significance. Last evaluated: 2022-05-12. Review status: criteria provided, single submitter. Criteria: GeneDx Variant Classification Process June 2021. Collection method: clinical testing. Allele origin: germline. Affected: yes.
Comment: Not observed at significant frequency in large population cohorts (gnomAD); In silico analysis supports that this missense variant does not alter protein structure/function; Has not been previously published as pathogenic or benign to our knowledge

NM_030912.3(TRIM8):c.487G>A (p.Val163Met)

Gene: TRIM8 (tripartite motif containing 8; plus strand). Cytogenetic location: 10q24.32.
Variant type: single nucleotide variant.
Coding change: c.487G>A on transcript NM_030912.3 (MANE Select); coding-DNA position 487, G replaced by A.
Protein change: p.Val163Met; replaces valine 163 with methionine.
Molecular consequence: missense variant. On other transcripts: non-coding transcript variant (1).
Genome position (GRCh38, 1-based): chr10:102,645,104, G>A. VCF-style: chr10-102645104-G-A. GRCh37 (hg19) VCF-style: chr10-104404861-G-A.
Other names: c.487G>A, p.Val163Met (NM_001345950.1); short protein forms V163M.
Identifiers: ClinVar variation 1723502 (VCV001723502.2), dbSNP rs778589677, ClinGen allele CA377925666.